The following is an entry in ClinVar:

ClinVar aggregate classification (germline): Uncertain significance (1 of 4 stars; one submission).

Conditions:
Progressive sclerosing poliodystrophy (MTDPS4A). Also called: Mitochondrial DNA depletion syndrome 4A (Alpers type); ALPERS PROGRESSIVE INFANTILE POLIODYSTROPHY; NEURONAL DEGENERATION OF CHILDHOOD WITH LIVER DISEASE, PROGRESSIVE; Mitochondrial DNA Depletion Syndrome 4A; Alpers-Huttenlocher Syndrome (AHS); Alpers Syndrome. Identifiers: Orphanet 726, MedGen C0205710, MONDO:0008758, OMIM 203700.

Submission:

Labcorp Genetics (formerly Invitae), Labcorp
Classification: Uncertain significance for Progressive sclerosing poliodystrophy. Last evaluated: 2022-03-04. Review status: criteria provided, single submitter. Criteria: Invitae Variant Classification Sherloc (09022015). Collection method: clinical testing. Allele origin: germline.
Comment: Variants that disrupt the consensus splice site are a relatively common cause of aberrant splicing (PMID: 17576681, 9536098). Algorithms developed to predict the effect of sequence changes on RNA splicing suggest that this variant may create or strengthen a splice site. In summary, the available evidence is currently insufficient to determine the role of this variant in disease. Therefore, it has been classified as a Variant of Uncertain Significance. This variant has not been reported in the literature in individuals affected with POLG-related conditions. This variant is not present in population databases (gnomAD no frequency). This sequence change falls in intron 13 of the POLG gene. It does not directly change the encoded amino acid sequence of the POLG protein. It affects a nucleotide within the consensus splice site.

Literature cited by the submitters: PubMed 17576681; PubMed 9536098.

NM_002693.3(POLG):c.2265+5G>A

Gene: POLG (DNA polymerase gamma, catalytic subunit; minus strand). Cytogenetic location: 15q26.1.
Variant type: single nucleotide variant.
Coding change: c.2265+5G>A on transcript NM_002693.3 (MANE Select); 5 bases into the intron after coding-DNA position 2265, G replaced by A.
Molecular consequence: intron variant.
Genome position (GRCh38, 1-based): chr15:89,323,399, C>T on the plus strand (G>A on the coding strand, the complement: POLG is on the minus strand). VCF-style: chr15-89323399-C-T. GRCh37 (hg19) VCF-style: chr15-89866630-C-T.
Other names: c.2265+5G>A (NM_001126131.2).
Identifiers: ClinVar variation 1395894 (VCV001395894.6), dbSNP rs2055426347, ClinGen allele CA2573151257.